The following is an entry in ClinVar:

NM_000186.4(CFH):c.871A>T (p.Thr291Ser)

Gene: CFH (complement factor H; plus strand). Cytogenetic location: 1q31.3.
Variant type: single nucleotide variant.
Coding change: c.871A>T on transcript NM_000186.4 (MANE Select); coding-DNA position 871, A replaced by T.
Protein change: p.Thr291Ser; replaces threonine 291 with serine.
Molecular consequence: missense variant.
Genome position (GRCh38, 1-based): chr1:196,685,144, A>T. VCF-style: chr1-196685144-A-T. GRCh37 (hg19) VCF-style: chr1-196654274-A-T.
Other names: c.871A>T, p.Thr291Ser (NM_001014975.3); short protein forms T291S.
Identifiers: ClinVar variation 4291331 (VCV004291331.1).

ClinVar aggregate classification (germline): Uncertain significance (1 of 4 stars; one submission).

Conditions:
Atypical hemolytic-uremic syndrome. Identifiers: Orphanet 2134, MedGen C2931788, MONDO:0016244.
Basal laminar drusen. Also called: DRUSEN OF BRUCH MEMBRANE; DRUSEN, CUTICULAR; DRUSEN, EARLY ADULT-ONSET, GROUPED. Identifiers: Orphanet 75376, MedGen C0730295, MONDO:0007472, OMIM 126700.
Factor H deficiency (CFHD). Also called: COMPLEMENT FACTOR H DEFICIENCY; CFH DEFICIENCY. Identifiers: Orphanet 200421, MedGen C0398777, MONDO:0012350, OMIM 609814.
Age related macular degeneration 4. Identifiers: MedGen C1853147, MONDO:0012540, OMIM 610698.

gnomAD v4.1: 1 of 1,612,808 alleles (0.000062%); highest among the groups gnomAD compares: Non-Finnish European, 0.000085%; no homozygotes.

Submission:

Genomenon, Inc
Classification: Uncertain significance for Basal laminar drusen; Age related macular degeneration 4; Atypical hemolytic-uremic syndrome; Factor H deficiency. Last evaluated: 2025-10-02. Review status: criteria provided, single submitter. Criteria: Genomenon Sequence Variant Interpretation Standards - Updated. Collection method: curation. Allele origin: germline. Affected: no.
Comment: CFH p.Thr291Ser (c.871A>T) is a missense variant that changes the amino acid at residue 291 from Threonine to Serine. This variant has been reported in the published literature (PMID:27905547). It is absent or not present at a significant frequency in gnomAD. In silico models agree that this variant is not damaging. In conclusion, we classify CFH p.Thr291Ser (c.871A>T) as a variant of uncertain significance.

Literature cited by the submitters: PubMed 27905547.